The following is an entry in ClinVar:

NM_000936.4(PNLIP):c.376_414dup (p.Ile138_Arg139insGlySerArgThrGlyTyrThrGlnAlaSerGlnAsnIle)

Gene: PNLIP (pancreatic lipase; plus strand). Cytogenetic location: 10q25.3.
Variant type: Duplication.
Coding change: c.376_414dup on transcript NM_000936.4 (MANE Select); coding-DNA positions 376 to 414, 39 bases duplicated.
Protein change: p.Ile138_Arg139insGlySerArgThrGlyTyrThrGlnAlaSerGlnAsnIle.
Molecular consequence: inframe insertion.
Genome position (GRCh38, 1-based): chr10:116,551,149-116,551,187, 39 bases duplicated. GRCh37 (hg19): chr10:118,310,661-118,310,699.
Identifiers: ClinVar variation 2860436 (VCV002860436.3), dbSNP rs2493048645, ClinGen allele CA2739276037.

ClinVar aggregate classification (germline): Uncertain significance (1 of 4 stars; one submission).

Submission:

Labcorp Genetics (formerly Invitae), Labcorp
Classification: Uncertain significance. Last evaluated: 2023-05-12. Review status: criteria provided, single submitter. Criteria: Invitae Variant Classification Sherloc (09022015). Collection method: clinical testing. Allele origin: germline.
Comment: This variant, c.376_414dup, results in the insertion of 13 amino acid(s) of the PNLIP protein (p.Gly126_Ile138dup), but otherwise preserves the integrity of the reading frame. In summary, the available evidence is currently insufficient to determine the role of this variant in disease. Therefore, it has been classified as a Variant of Uncertain Significance. This variant has not been reported in the literature in individuals affected with PNLIP-related conditions. This variant is not present in population databases (gnomAD no frequency).